The following is an entry in ClinVar:

NM_001130009.3(GEN1):c.1985C>T (p.Ser662Phe)

Gene: GEN1 (GEN1 structure-specific endonuclease; plus strand). Cytogenetic location: 2p24.2.
Variant type: single nucleotide variant.
Coding change: c.1985C>T on transcript NM_001130009.3 (MANE Select); coding-DNA position 1985, C replaced by T.
Protein change: p.Ser662Phe; replaces serine 662 with phenylalanine.
Molecular consequence: missense variant.
Genome position (GRCh38, 1-based): chr2:17,781,197, C>T. VCF-style: chr2-17781197-C-T. GRCh37 (hg19) VCF-style: chr2-17962464-C-T.
Other names: c.1985C>T, p.Ser662Phe (NM_182625.5); short protein forms S662F.
Identifiers: ClinVar variation 4857994 (VCV004857994.1).
Genomic context (GRCh38, chr2:17,781,197, plus strand): 5'-ACATAAAGAAAGTGTTGGATGAGGATTCTGATGGGATTAGTCCTGAAGAGCATCTACTTT[C>T]TGGCATTACTGATTTATGTCTTCAGGATTTGCCTTTAAAGGAACGAATATTTACAAAATT-3'
Protein context (NP_001123481.3, residues 652-672): DGISPEEHLL[Ser662Phe]GITDLCLQDL

ClinVar aggregate classification (germline): Uncertain significance (1 of 4 stars; one submission).

Submission:

Ambry Genetics
Classification: Uncertain significance. Last evaluated: 2026-05-24. Review status: criteria provided, single submitter. Criteria: Ambry Variant Classification Scheme 2023. Collection method: clinical testing. Allele origin: germline.
Comment: The p.S662F variant (also known as c.1985C>T), located in coding exon 13 of the GEN1 gene, results from a C to T substitution at nucleotide position 1985. The serine at codon 662 is replaced by phenylalanine, an amino acid with highly dissimilar properties. This amino acid position is conserved. In addition, this alteration is predicted to be tolerated by in silico analysis. Based on the available evidence, the clinical significance of this variant remains unclear.